The following is an entry in ClinVar:

ClinVar aggregate classification (germline): Pathogenic (1 of 4 stars; one submission).

Submission:

Labcorp Genetics (formerly Invitae), Labcorp
Classification: Pathogenic. Last evaluated: 2023-02-23. Review status: criteria provided, single submitter. Criteria: Invitae Variant Classification Sherloc (09022015). Collection method: clinical testing. Allele origin: germline.
Comment: For these reasons, this variant has been classified as Pathogenic. This variant has not been reported in the literature in individuals affected with CDH23-related conditions. This variant is not present in population databases (gnomAD no frequency). This sequence change creates a premature translational stop signal (p.Pro867Leufs*2) in the CDH23 gene. It is expected to result in an absent or disrupted protein product. Loss-of-function variants in CDH23 are known to be pathogenic (PMID: 11138009, 21940737).

Literature cited by the submitters: PubMed 11138009; PubMed 21940737.

NM_022124.6(CDH23):c.2600del (p.Pro867fs)

Gene: CDH23 (cadherin related 23; plus strand). Cytogenetic location: 10q22.1.
Variant type: Deletion.
Coding change: c.2600del on transcript NM_022124.6 (MANE Select); coding-DNA position 2600, one base deleted (C; older notation c.2600delC).
Protein change: p.Pro867fs; shifts the reading frame from proline 867.
Molecular consequence: frameshift variant.
Genome position (GRCh38, 1-based): chr10:71,702,561, C deleted; the last of 5 consecutive C bases (chr10:71,702,557-71,702,561); deleting any one gives the same sequence. VCF-style (leftmost placement, unchanged base first): chr10-71702556-GC-G. GRCh37 (hg19) VCF-style: chr10-73462313-GC-G.
Other names: c.2600del, p.Pro867fs (NM_001171930.2, NM_001171931.2); short protein forms P867fs.
Identifiers: ClinVar variation 2840297 (VCV002840297.3), dbSNP rs34768093, ClinGen allele CA209452702.